The following is an entry in ClinVar:

NM_003244.4(TGIF1):c.338G>A (p.Arg113His)

Gene: TGIF1 (TGFB induced factor homeobox 1; plus strand). Cytogenetic location: 18p11.31.
Variant type: single nucleotide variant.
Coding change: c.338G>A on transcript NM_003244.4 (MANE Select); coding-DNA position 338, G replaced by A.
Protein change: p.Arg113His; replaces arginine 113 with histidine.
Molecular consequence: missense variant.
Genome position (GRCh38, 1-based): chr18:3,457,459, G>A. VCF-style: chr18-3457459-G-A. GRCh37 (hg19) VCF-style: chr18-3457457-G-A.
Other names: c.347G>A, p.Arg116His (NM_001278682.2); c.338G>A, p.Arg113His (NM_001278684.2, NM_173208.3); c.278G>A, p.Arg93His (NM_001278686.3, NM_001374396.1, NM_001374397.1 and 5 more transcripts); c.380G>A, p.Arg127His (NM_173207.4); short protein forms R113H, R116H, R127H, R93H.
Identifiers: ClinVar variation 1311889 (VCV001311889.9), dbSNP rs373874366, ClinGen allele CA8875935.
Genomic context (GRCh38, chr18:3,457,459, plus strand): 5'-TCCTCCCTGACATGCTGAGAAAGGATGGCAAAGATCCAAATCAGTTCACAATTTCCCGCC[G>A]TGGGGCCAAGATTTCTGAAACGAGCTCTGTGGAGTCCGTGATGGGCATCAAAAACTTCAT-3'
Protein context (NP_003235.1, residues 103-123): KDPNQFTISR[Arg113His]GAKISETSSV

ClinVar aggregate classification (germline): Uncertain significance. Review status: criteria provided, multiple submitters, no conflicts (2 of 4 stars). 2 submissions from 2 submitters: Uncertain significance (2). Last evaluated 2022-02-02.

Conditions:
Holoprosencephaly 4 (HPE4). Identifiers: Orphanet 2162, MedGen C1840528, MONDO:0007734, OMIM 142946.

Allele frequency attached by ClinVar (database versions not stated): gnomAD exomes below 0.00001; ExAC 0.00001; ESP Exome Variant Server 0.00008.
gnomAD v4.1: 4 of 1,614,232 alleles (0.00025%); highest among the groups gnomAD compares: South Asian, 0.0011%; no homozygotes.

Submissions (2):

Labcorp Genetics (formerly Invitae), Labcorp
Classification: Uncertain significance for Holoprosencephaly 4. Last evaluated: 2022-02-02. Review status: criteria provided, single submitter. Criteria: Invitae Variant Classification Sherloc (09022015). Collection method: clinical testing. Allele origin: germline.
Comment: Algorithms developed to predict the effect of missense changes on protein structure and function are either unavailable or do not agree on the potential impact of this missense change (SIFT: "Tolerated"; PolyPhen-2: "Probably Damaging"; Align-GVGD: "Class C0"). This sequence change replaces arginine, which is basic and polar, with histidine, which is basic and polar, at codon 113 of the TGIF1 protein (p.Arg113His). This variant is present in population databases (rs373874366, gnomAD 0.0009%). This variant has not been reported in the literature in individuals affected with TGIF1-related conditions. ClinVar contains an entry for this variant (Variation ID: 1311889). In summary, the available evidence is currently insufficient to determine the role of this variant in disease. Therefore, it has been classified as a Variant of Uncertain Significance.

GeneDx
Classification: Uncertain significance. Last evaluated: 2020-01-02. Review status: criteria provided, single submitter. Criteria: GeneDx Variant Classification Process June 2021. Collection method: clinical testing. Allele origin: germline. Affected: yes.
Comment: Not observed at a significant frequency in large population cohorts (Lek et al., 2016); In silico analysis, which includes protein predictors and evolutionary conservation, supports a deleterious effect; Has not been previously published as pathogenic or benign to our knowledge